The following is an entry in ClinVar:

ClinVar aggregate classification (germline): Benign. Review status: criteria provided, multiple submitters, no conflicts (2 of 4 stars). 16 submissions from 15 submitters: Benign (13). 3 of the submissions do not count toward it. Last evaluated 2026-02-04.

Conditions:
Hereditary spastic paraplegia. Also called: Familial spastic paraparesis. Identifiers: Orphanet 685, MedGen C0037773, MONDO:0019064. Disease mechanism: loss of function.
Pelizaeus-Merzbacher disease. Also called: LEUKODYSTROPHY, HYPOMYELINATING, 1; Pelizeaus-Merzbacher spectrum disorder; Sudanophilic leukodystrophy; Pelizaeus-Merzbacher spectrum disorder; Pelizaeus-Merzbacher Disease (PMD). Identifiers: Orphanet 702, MedGen C0205711, MONDO:0010714, OMIM 312080, HP:0003269.
Hereditary spastic paraplegia 2 (SPG2). Also called: SPASTIC PARAPLEGIA 2, X-LINKED; Spastic Paraplegia 2 (SPG2). Identifiers: Orphanet 99015, MedGen C0751604, MONDO:0010733, OMIM 312920.
Inborn genetic diseases. Identifiers: MedGen C0950123, MeSH D030342.

Allele frequency attached by ClinVar (database versions not stated): 1000 Genomes Project 30x 0.20583; 1000 Genomes Project 0.20662; gnomAD 0.24238 and 0.24299; ESP Exome Variant Server 0.24510; TOPMed 0.24942; ExAC 0.27891; gnomAD exomes 0.28544 and 0.29187.
gnomAD v4.1: 346,184 of 1,206,198 alleles (29%); highest among the groups gnomAD compares: Admixed American, 38%; 35,090 homozygotes.

Submissions (16):

Labcorp Genetics (formerly Invitae), Labcorp
Classification: Benign for Hereditary spastic paraplegia 2. Last evaluated: 2026-02-04. Review status: criteria provided, single submitter. Criteria: Invitae Variant Classification Sherloc (09022015). Collection method: clinical testing. Allele origin: germline.

Blueprint Genetics
Classification: Benign. Last evaluated: 2024-11-28. Review status: criteria provided, single submitter. Criteria: ACMG Guidelines, 2015. Collection method: clinical testing. Allele origin: germline.

Women's Health and Genetics/Laboratory Corporation of America, LabCorp
Classification: Benign. Last evaluated: 2024-01-11. Review status: criteria provided, single submitter. Criteria: LabCorp Variant Classification Summary - May 2015. Collection method: clinical testing. Allele origin: germline.

Genome-Nilou Lab
Classification: Benign for Pelizaeus-Merzbacher disease. Last evaluated: 2021-10-25. Review status: criteria provided, single submitter. Criteria: ACMG Guidelines, 2015. Collection method: clinical testing. Allele origin: germline. Affected: no.

Genome-Nilou Lab
Classification: Benign for Hereditary spastic paraplegia 2. Last evaluated: 2021-10-25. Review status: criteria provided, single submitter. Criteria: ACMG Guidelines, 2015. Collection method: clinical testing. Allele origin: germline. Affected: no.

Mayo Clinic Laboratories, Mayo Clinic
Classification: Benign. Last evaluated: 2018-03-12. Review status: criteria provided, single submitter. Criteria: ACMG Guidelines, 2015. Collection method: clinical testing. Allele origin: germline. Observed: 1,285 variant alleles.

Athena Diagnostics
Classification: Benign. Last evaluated: 2017-07-24. Review status: criteria provided, single submitter. Criteria: Athena Diagnostics Criteria. Collection method: clinical testing. Allele origin: germline.

Genome Diagnostics Laboratory, The Hospital for Sick Children
Classification: Benign for Hereditary spastic paraplegia. Last evaluated: 2016-12-12. Review status: criteria provided, single submitter. Criteria: ACMG Guidelines, 2015. Collection method: clinical testing. Allele origin: germline. Affected: yes.

GeneDx
Classification: Benign. Last evaluated: 2016-03-01. Review status: criteria provided, single submitter. Criteria: GeneDx Variant Classification (06012015). Collection method: clinical testing. Allele origin: germline. Affected: yes.
Comment: This variant is considered likely benign or benign based on one or more of the following criteria: it is a conservative change, it occurs at a poorly conserved position in the protein, it is predicted to be benign by multiple in silico algorithms, and/or has population frequency not consistent with disease.

Ambry Genetics
Classification: Benign for Inborn genetic diseases. Last evaluated: 2014-11-24. Review status: criteria provided, single submitter. Criteria: Ambry Variant Classification Scheme 2023. Collection method: clinical testing. Allele origin: germline.

Eurofins Ntd Llc (ga)
Classification: Benign. Last evaluated: 2014-11-17. Review status: criteria provided, single submitter. Criteria: EGL Classification Definitions 2015. Collection method: clinical testing. Allele origin: germline. Observed: 16 variant alleles, 2 heterozygotes, 6 homozygotes, 8 hemizygotes.

Breakthrough Genomics
Classification: Benign. Review status: criteria provided, single submitter. Criteria: ACMG Guidelines, 2015. Collection method: not provided. Allele origin: germline. Inheritance: X-linked inheritance. Affected: yes.

PreventionGenetics, part of Exact Sciences
Classification: Benign. Review status: criteria provided, single submitter. Criteria: ACMG Guidelines, 2015. Collection method: clinical testing. Allele origin: germline.

Diagnostic Laboratory, Department of Genetics, University Medical Center Groningen
Classification: Benign. Review status: no assertion criteria provided. Collection method: clinical testing. Allele origin: germline. Affected: yes. Study: VKGL Data-share Consensus. Not counted in ClinVar's aggregate classification.

Genetic Services Laboratory, University of Chicago
Classification: Likely benign for AllHighlyPenetrant. Review status: no assertion criteria provided. Collection method: clinical testing. Allele origin: germline. Inheritance: X-linked inheritance. Not counted in ClinVar's aggregate classification.
Comment: Likely benign based on allele frequency in 1000 Genomes Project or ESP global frequency and its presence in a patient with a rare or unrelated disease phenotype. NOT Sanger confirmed.

Genome Diagnostics Laboratory, University Medical Center Utrecht
Classification: Benign. Review status: no assertion criteria provided. Collection method: clinical testing. Allele origin: germline. Affected: yes. Study: VKGL Data-share Consensus. Not counted in ClinVar's aggregate classification.

NM_000533.5(PLP1):c.609T>C (p.Asp203=)

Genes: PLP1 (proteolipid protein 1; plus strand), RAB9B (RAB9B, member RAS oncogene family; minus strand). Cytogenetic location: Xq22.2.
Variant type: single nucleotide variant.
Coding change: c.609T>C on transcript NM_000533.5 (MANE Select); coding-DNA position 609, T replaced by C.
Protein change: p.Asp203=; no amino-acid change (aspartic acid 203 retained).
Molecular consequence: synonymous variant.
Genome position (GRCh38, 1-based): chrX:103,787,953, T>C. VCF-style: chrX-103787953-T-C. GRCh37 (hg19) VCF-style: chrX-103042882-T-C.
Other names: p.Asp203=; c.609T>C, p.Asp203= (NM_001128834.3); c.444T>C, p.Asp148= (NM_001305004.1); c.504T>C, p.Asp168= (NM_199478.3).
Identifiers: ClinVar variation 93232 (VCV000093232.38), dbSNP rs1126707, ClinGen allele CA146753.